The following is an entry in ClinVar:

ClinVar aggregate classification (germline): Benign (0 of 4 stars; one submission).

Conditions:
DNHD1-related disorder. Also called: DNHD1-related condition.

Allele frequency attached by ClinVar (database versions not stated): ExAC 0.46073; ESP Exome Variant Server 0.46329; gnomAD exomes 0.49338; 1000 Genomes Project 0.37740; 1000 Genomes Project 30x 0.37836; TOPMed 0.44214; gnomAD 0.44429.
gnomAD v4.1: 787,284 of 1,613,972 alleles (49%); highest among the groups gnomAD compares: Non-Finnish European, 52%; 196,533 homozygotes.

Submission:

PreventionGenetics, part of Exact Sciences
Classification: Benign for DNHD1-related condition. Last evaluated: 2022-10-28. Review status: no assertion criteria provided. Collection method: clinical testing. Allele origin: germline.
Comment: This variant is classified as benign based on ACMG/AMP sequence variant interpretation guidelines (Richards et al. 2015 PMID: 25741868, with internal and published modifications).

NM_144666.3(DNHD1):c.570G>T (p.Leu190=)

Gene: DNHD1 (dynein heavy chain domain 1; plus strand). Cytogenetic location: 11p15.4.
Variant type: single nucleotide variant.
Coding change: c.570G>T on transcript NM_144666.3 (MANE Select); coding-DNA position 570, G replaced by T.
Protein change: p.Leu190=; no amino-acid change (leucine 190 retained).
Molecular consequence: synonymous variant.
Genome position (GRCh38, 1-based): chr11:6,498,785, G>T. VCF-style: chr11-6498785-G-T. GRCh37 (hg19) VCF-style: chr11-6520015-G-T.
Other names: c.570G>T, p.Leu190= (NM_173589.4).
Identifiers: ClinVar variation 3060797 (VCV003060797.2), dbSNP rs11040899, ClinGen allele CA5855352.
Genomic context (GRCh38, chr11:6,498,785, plus strand): 5'-CCAGTGGAGCAGGCAGCAAGTAAAGGAGGAGCTGGCCACCTGGCTGCGACCATTGACACT[G>T]CCTGAGCTACAGCGCTGCCTGGGCATTGTTGGTGCTCAGGTGGCCCTAGAAGAGGCTGTG-3'
Protein context (NP_653267.2, residues 180-200): ELATWLRPLT[Leu190=]PELQRCLGIV